The following is an entry in ClinVar:

ClinVar aggregate classification (germline): Uncertain significance. Review status: criteria provided, multiple submitters, no conflicts (2 of 4 stars). 2 submissions from 2 submitters: Uncertain significance (2). Last evaluated 2026-01-11.

Conditions:
Developmental and epileptic encephalopathy, 32 (DEE32). Also called: Epileptic encephalopathy, early infantile, 32. Identifiers: Orphanet 442835, MedGen C4225350, MONDO:0014607, OMIM 616366.

Submissions (2):

Labcorp Genetics (formerly Invitae), Labcorp
Classification: Uncertain significance for Developmental and epileptic encephalopathy, 32. Last evaluated: 2026-01-11. Review status: criteria provided, single submitter. Criteria: Invitae Variant Classification Sherloc (09022015). Collection method: clinical testing. Allele origin: germline.
Comment: This sequence change replaces threonine, which is neutral and polar, with serine, which is neutral and polar, at codon 209 of the KCNA2 protein (p.Thr209Ser). This variant is not present in population databases (gnomAD no frequency). This variant has not been reported in the literature in individuals affected with KCNA2-related conditions. ClinVar contains an entry for this variant (Variation ID: 1311940). Invitae Evidence Modeling of protein sequence and biophysical properties (such as structural, functional, and spatial information, amino acid conservation, physicochemical variation, residue mobility, and thermodynamic stability) indicates that this missense variant is not expected to disrupt KCNA2 protein function with a negative predictive value of 95%. In summary, the available evidence is currently insufficient to determine the role of this variant in disease. Therefore, it has been classified as a Variant of Uncertain Significance.

GeneDx
Classification: Uncertain significance. Last evaluated: 2020-01-07. Review status: criteria provided, single submitter. Criteria: GeneDx Variant Classification Process June 2021. Collection method: clinical testing. Allele origin: germline. Affected: yes.
Comment: Not observed in large population cohorts (Lek et al., 2016); In silico analysis, which includes protein predictors and evolutionary conservation, supports that this variant does not alter protein structure/function; Has not been previously published as pathogenic or benign to our knowledge

NM_004974.4(KCNA2):c.625A>T (p.Thr209Ser)

Gene: KCNA2 (potassium voltage-gated channel subfamily A member 2; minus strand). Cytogenetic location: 1p13.3.
Variant type: single nucleotide variant.
Coding change: c.625A>T on transcript NM_004974.4 (MANE Select); coding-DNA position 625, A replaced by T.
Protein change: p.Thr209Ser; replaces threonine 209 with serine.
Molecular consequence: missense variant.
Genome position (GRCh38, 1-based): chr1:110,604,158, T>A on the plus strand (A>T on the coding strand, the complement: KCNA2 is on the minus strand). VCF-style: chr1-110604158-T-A. GRCh37 (hg19) VCF-style: chr1-111146780-T-A.
Other names: c.625A>T, p.Thr209Ser (NM_001204269.2); short protein forms T209S.
Identifiers: ClinVar variation 1311940 (VCV001311940.3), dbSNP rs1649486218, ClinGen allele CA341603574.